The following is an entry in ClinVar:

ClinVar aggregate classification (germline): Benign (1 of 4 stars; one submission).

Conditions:
Pseudohypoaldosteronism type 2C (PHA2C). Also called: Pseudohypoaldosteronism Type IIC. Identifiers: Orphanet 757, Orphanet 88940, MedGen C1840391, MONDO:0013778, OMIM 614492.

Allele frequency attached by ClinVar (database versions not stated): gnomAD 0.00060 and 0.00072; TOPMed 0.00064; 1000 Genomes Project 30x 0.00172; 1000 Genomes Project 0.00200.

Submission:

Illumina Laboratory Services, Illumina
Classification: Benign for Pseudohypoaldosteronism type 2C. Last evaluated: 2018-01-13. Review status: criteria provided, single submitter. Criteria: ICSL Variant Classification Criteria 13 December 2019. Collection method: clinical testing. Allele origin: germline.
Comment: This variant was observed in the ICSL laboratory as part of a predisposition screen in an ostensibly healthy population. It had not been previously curated by ICSL or reported in the Human Gene Mutation Database (HGMD: prior to June 1st, 2018), and was therefore a candidate for classification through an automated scoring system. Utilizing variant allele frequency, disease prevalence and penetrance estimates, and inheritance mode, an automated score was calculated to assess if this variant is too frequent to cause the disease. Based on the score and internal cut-off values, a variant classified as benign is not then subjected to further curation. The score for this variant resulted in a classification of benign for this disease.

NM_018979.4(WNK1):c.*1764G>T

Gene: WNK1 (WNK lysine deficient protein kinase 1; plus strand). Cytogenetic location: 12p13.33.
Variant type: single nucleotide variant.
Coding change: c.*1764G>T on transcript NM_018979.4 (MANE Select); 1764 bases downstream of the stop codon, G replaced by T.
Molecular consequence: 3 prime UTR variant.
Genome position (GRCh38, 1-based): chr12:910,556, G>T. VCF-style: chr12-910556-G-T. GRCh37 (hg19) VCF-style: chr12-1019722-G-T.
Other names: c.*1764G>T (NM_001184985.2, NM_014823.3, NM_213655.5).
Identifiers: ClinVar variation 306699 (VCV000306699.5), dbSNP rs147760490, ClinGen allele CA10638759.